The following is an entry in ClinVar:

NM_004360.5(CDH1):c.2365C>T (p.Pro789Ser)

Gene: CDH1 (cadherin 1; plus strand). Cytogenetic location: 16q22.1.
Variant type: single nucleotide variant.
Coding change: c.2365C>T on transcript NM_004360.5 (MANE Select); coding-DNA position 2365, C replaced by T.
Protein change: p.Pro789Ser; replaces proline 789 with serine.
Molecular consequence: missense variant.
Genome position (GRCh38, 1-based): chr16:68,829,723, C>T. VCF-style: chr16-68829723-C-T. GRCh37 (hg19) VCF-style: chr16-68863626-C-T.
Other names: c.2182C>T, p.Pro728Ser (NM_001317184.2); c.817C>T, p.Pro273Ser (NM_001317185.2); c.400C>T, p.Pro134Ser (NM_001317186.2); short protein forms P134S, P728S, P273S, P789S.
Identifiers: ClinVar variation 853805 (VCV000853805.9), dbSNP rs1961429193, ClinGen allele CA396471073.
Genomic context (GRCh38, chr16:68,829,723, plus strand): 5'-TTGAGCCAGCTGCACAGGGGCCTGGACGCTCGGCCTGAAGTGACTCGTAACGACGTTGCA[C>T]CAACCCTCATGAGTGTCCCCCGGTATCTTCCCCGCCCTGCCAATCCCGATGAAATTGGAA-3'
Protein context (NP_004351.1, residues 779-799): RPEVTRNDVA[Pro789Ser]TLMSVPRYLP

ClinVar aggregate classification (germline): Uncertain significance (1 of 4 stars; one submission).

Conditions:
Hereditary diffuse gastric adenocarcinoma (HDGC). Also called: DIFFUSE GASTRIC AND LOBULAR BREAST CANCER SYNDROME. Identifiers: Orphanet 26106, MedGen C1708349, MONDO:0007648, OMIM 137215.

Submission:

Labcorp Genetics (formerly Invitae), Labcorp
Classification: Uncertain significance for Hereditary diffuse gastric adenocarcinoma. Last evaluated: 2021-12-08. Review status: criteria provided, single submitter. Criteria: Invitae Variant Classification Sherloc (09022015). Collection method: clinical testing. Allele origin: germline.
Comment: This sequence change replaces proline, which is neutral and non-polar, with serine, which is neutral and polar, at codon 789 of the CDH1 protein (p.Pro789Ser). Algorithms developed to predict the effect of missense changes on protein structure and function are either unavailable or do not agree on the potential impact of this missense change (SIFT: "Deleterious"; PolyPhen-2: "Probably Damaging"; Align-GVGD: "Class C0"). ClinVar contains an entry for this variant (Variation ID: 853805). This variant has not been reported in the literature in individuals affected with CDH1-related conditions. This variant is not present in population databases (gnomAD no frequency). In summary, the available evidence is currently insufficient to determine the role of this variant in disease. Therefore, it has been classified as a Variant of Uncertain Significance.